The following is an entry in ClinVar:

ClinVar aggregate classification (germline): Pathogenic. Review status: criteria provided, multiple submitters, no conflicts (2 of 4 stars). 3 submissions from 3 submitters: Pathogenic (3). Last evaluated 2025-06-03.

Conditions:
CEP83-related disorder. Also called: CEP83-related condition.
Nephronophthisis 18 (NPHP18). Identifiers: Orphanet 655, MedGen C3890591, MONDO:0014374, OMIM 615862.

Submissions (3):

PreventionGenetics, part of Exact Sciences
Classification: Pathogenic for CEP83-related condition. Last evaluated: 2025-06-03. Review status: criteria provided, single submitter. Criteria: ACMG Guidelines, 2015. Collection method: clinical testing. Allele origin: germline.
Comment: The CEP83 c.2007delA variant is predicted to result in a frameshift and premature protein termination (p.Glu669Aspfs*14). This variant has been reported in two homozygous individuals affected with infantile nephronophthisis and intellectual disability (Failler et al 2014. PubMed ID: 24882706; Mann et al. 2019. PubMed ID: 30655312). This variant has not been reported in a large population database (gnomAD), indicating this variant is rare. Frameshift variants in CEP83 are expected to be pathogenic. This variant is interpreted as pathogenic.

Labcorp Genetics (formerly Invitae), Labcorp
Classification: Pathogenic for Nephronophthisis 18. Last evaluated: 2024-11-07. Review status: criteria provided, single submitter. Criteria: Invitae Variant Classification Sherloc (09022015). Collection method: clinical testing. Allele origin: germline.
Comment: This sequence change creates a premature translational stop signal (p.Glu669Aspfs*14) in the CEP83 gene. While this is not anticipated to result in nonsense mediated decay, it is expected to disrupt the last 33 amino acid(s) of the CEP83 protein. This variant is not present in population databases (gnomAD no frequency). This premature translational stop signal has been observed in individuals with nephronophthisis (PMID: 24882706, 30655312). ClinVar contains an entry for this variant (Variation ID: 1070747). Algorithms developed to predict the effect of variants on gene product structure and function are not available or were not evaluated for this variant. Experimental studies have shown that this premature translational stop signal affects CEP83 function (PMID: 24882706). This variant disrupts a region of the CEP83 protein in which other variant(s) (p.Gln692del) have been observed in individuals with CEP83-related conditions (PMID: 24882706). This suggests that this is a clinically significant region of the protein, and that variants that disrupt it are likely to be disease-causing. For these reasons, this variant has been classified as Pathogenic.

GeneDx
Classification: Pathogenic. Last evaluated: 2023-09-04. Review status: criteria provided, single submitter. Criteria: GeneDx Variant Classification Process June 2021. Collection method: clinical testing. Allele origin: germline. Affected: yes.
Comment: Frameshift variant predicted to result in protein truncation as the last 33 amino acids are replaced with 13 different amino acids, although loss-of-function variants have not been reported downstream of this position in the protein; Published functional studies demonstrate a damaging effect on centrosome localization and interactions with its binding partner, CEP164 (Failler et al., 2014); Not observed at significant frequency in large population cohorts (gnomAD); This variant is associated with the following publications: (PMID: 24882706, 30655312)

Literature cited by the submitters: PubMed 24882706 (cited by Labcorp Genetics (formerly Invitae), Labcorp); PubMed 30655312 (cited by Labcorp Genetics (formerly Invitae), Labcorp).

NM_016122.3(CEP83):c.2007del (p.Glu669fs)

Gene: CEP83 (centrosomal protein 83; minus strand). Cytogenetic location: 12q22.
Variant type: Deletion.
Coding change: c.2007del on transcript NM_016122.3 (MANE Select); coding-DNA position 2007, one base deleted (A; older notation c.2007delA).
Protein change: p.Glu669fs; shifts the reading frame from glutamic acid 669.
Molecular consequence: frameshift variant. On other transcripts: non-coding transcript variant (2).
Genome position (GRCh38, 1-based): chr12:94,308,912, T deleted on the plus strand (A on the coding strand, the reverse complement: CEP83 is on the minus strand); the first of 2 consecutive T bases (chr12:94,308,912-94,308,913); deleting either gives the same sequence. VCF-style (leftmost placement, unchanged base first): chr12-94308911-GT-G. GRCh37 (hg19) VCF-style: chr12-94702687-GT-G.
Other names: c.2007del, p.Glu669fs (NM_001042399.2, NM_001346457.2, NM_001368037.1 and 1 more transcripts); c.1695del, p.Glu565fs (NM_001346458.2, NM_001346459.2, NM_001368039.1 and 1 more transcripts); c.1782del, p.Glu594fs (NM_001368041.1); c.2007delA (NM_016122.2); short protein forms E565fs, E594fs, E669fs.
Identifiers: ClinVar variation 1070747 (VCV001070747.12), dbSNP rs922686745, ClinGen allele CA241294593.
Genomic context (GRCh38, chr12:94,308,911, plus strand): 5'-TTTGTGTTGTTTCCAGTTCTTCTAGTCTTTTGCGAAGTAGAGAGAGTTCCCTTTGATGTT[GT>G]TCCTCCTTAAAATGATGTAGAGAAAGCATAGCAAAAGAAACTATTAGAAAAACTGTTAGG-3'